The following is an entry in ClinVar:

NM_001165963.4(SCN1A):c.1522G>C (p.Glu508Gln)

Gene: SCN1A (sodium voltage-gated channel alpha subunit 1; minus strand). Cytogenetic location: 2q24.3.
Variant type: single nucleotide variant.
Coding change: c.1522G>C on transcript NM_001165963.4 (MANE Select); coding-DNA position 1522, G replaced by C.
Protein change: p.Glu508Gln; replaces glutamic acid 508 with glutamine.
Molecular consequence: missense variant. On other transcripts: 5 prime UTR variant (1), non-coding transcript variant (1).
Genome position (GRCh38, 1-based): chr2:166,045,183, C>G on the plus strand (G>C on the coding strand, the complement: SCN1A is on the minus strand). VCF-style: chr2-166045183-C-G. GRCh37 (hg19) VCF-style: chr2-166901693-C-G.
Other names: c.1522G>C, p.Glu508Gln (NM_001165964.3, NM_001202435.3, NM_001353948.2 and 7 more transcripts); c.1519G>C, p.Glu507Gln (NM_001353954.2, NM_001353955.2, NM_001353960.2); c.-904G>C (NM_001353961.2); short protein forms E508Q, E507Q.
Identifiers: ClinVar variation 1469953 (VCV001469953.9), dbSNP rs781087488, ClinGen allele CA349069510.

ClinVar aggregate classification (germline): Uncertain significance (1 of 4 stars; one submission).

Conditions:
Early-infantile DEE. Also called: Ohtahara syndrome; Early infantile epileptic encephalopathy with suppression bursts; Early infantile epileptic encephalopathy. Identifiers: Orphanet 1934, MedGen C0393706, MONDO:0800491.

Submission:

Labcorp Genetics (formerly Invitae), Labcorp
Classification: Uncertain significance for Early-infantile DEE. Last evaluated: 2021-02-14. Review status: criteria provided, single submitter. Criteria: Invitae Variant Classification Sherloc (09022015). Collection method: clinical testing. Allele origin: germline.
Comment: In summary, the available evidence is currently insufficient to determine the role of this variant in disease. Therefore, it has been classified as a Variant of Uncertain Significance. Algorithms developed to predict the effect of missense changes on protein structure and function are either unavailable or do not agree on the potential impact of this missense change (SIFT: "Tolerated"; PolyPhen-2: "Possibly Damaging"; Align-GVGD: "Class C0"). This variant has not been reported in the literature in individuals with SCN1A-related conditions. This variant is not present in population databases (ExAC no frequency). This sequence change replaces glutamic acid with glutamine at codon 508 of the SCN1A protein (p.Glu508Gln). The glutamic acid residue is highly conserved and there is a small physicochemical difference between glutamic acid and glutamine.